The following is an entry in ClinVar:

NM_000214.3(JAG1):c.988G>T (p.Gly330Ter)

Gene: JAG1 (jagged canonical Notch ligand 1; minus strand). Cytogenetic location: 20p12.2.
Variant type: single nucleotide variant.
Coding change: c.988G>T on transcript NM_000214.3 (MANE Select); coding-DNA position 988, G replaced by T.
Protein change: p.Gly330Ter; replaces glycine 330 with a stop codon.
Molecular consequence: nonsense.
Genome position (GRCh38, 1-based): chr20:10,652,149, C>A on the plus strand (G>T on the coding strand, the complement: JAG1 is on the minus strand). VCF-style: chr20-10652149-C-A. GRCh37 (hg19) VCF-style: chr20-10632797-C-A.
Other names: short protein forms G330*.
Identifiers: ClinVar variation 4992766 (VCV004992766.1).
Genomic context (GRCh38, chr20:10,652,149, plus strand): 5'-AAAAATTAGACAAAGGGCTCTCATTCATCTTGGACCACTTACCAATTTCACAGTTGGGTC[C>A]TGAATACCCCTCAGGGCAGGAACACTGATATTTGTCAGGGCCTGTGTTGCTACAAGTTCC-3'

ClinVar aggregate classification (germline): Likely pathogenic (1 of 4 stars; one submission).

Conditions:
JAG1-related disorder. Also called: JAG1-related condition; JAG1-related disorders.

Submission:

PreventionGenetics, part of Exact Sciences
Classification: Likely pathogenic for JAG1-related condition. Last evaluated: 2026-03-19. Review status: criteria provided, single submitter. Criteria: ACMG Guidelines, 2015. Collection method: clinical testing. Allele origin: germline.
Comment: The JAG1 c.988G>T variant is predicted to result in premature protein termination (p.Gly330*). To our knowledge, this variant has not been reported in the literature or in a large population database (gnomAD), indicating this variant is rare. Nonsense variants in JAG1 are expected to be pathogenic. This variant is interpreted as likely pathogenic.